The following is an entry in ClinVar:

NM_016030.6(TRAPPC12):c.88C>G (p.Leu30Val)

Gene: TRAPPC12 (trafficking protein particle complex subunit 12; plus strand). Cytogenetic location: 2p25.3.
Variant type: single nucleotide variant.
Coding change: c.88C>G on transcript NM_016030.6 (MANE Select); coding-DNA position 88, C replaced by G.
Protein change: p.Leu30Val; replaces leucine 30 with valine.
Molecular consequence: missense variant.
Genome position (GRCh38, 1-based): chr2:3,387,711, C>G. VCF-style: chr2-3387711-C-G. GRCh37 (hg19) VCF-style: chr2-3391482-C-G.
Other names: c.88C>G, p.Leu30Val (NM_001321102.2); short protein forms L30V.
Identifiers: ClinVar variation 2064918 (VCV002064918.3), dbSNP rs2528224543, ClinGen allele CA345738672.

ClinVar aggregate classification (germline): Uncertain significance (1 of 4 stars; one submission).

Allele frequency attached by ClinVar (database versions not stated): gnomAD exomes below 0.00001.
gnomAD v4.1: 3 of 1,594,670 alleles (0.00019%); highest among the groups gnomAD compares: Non-Finnish European, 0.00026%; no homozygotes.

Submission:

Labcorp Genetics (formerly Invitae), Labcorp
Classification: Uncertain significance. Last evaluated: 2023-05-22. Review status: criteria provided, single submitter. Criteria: Invitae Variant Classification Sherloc (09022015). Collection method: clinical testing. Allele origin: germline.
Comment: This variant is not present in population databases (gnomAD no frequency). In summary, the available evidence is currently insufficient to determine the role of this variant in disease. Therefore, it has been classified as a Variant of Uncertain Significance. Advanced modeling of protein sequence and biophysical properties (such as structural, functional, and spatial information, amino acid conservation, physicochemical variation, residue mobility, and thermodynamic stability) performed at Invitae indicates that this missense variant is not expected to disrupt TRAPPC12 protein function. ClinVar contains an entry for this variant (Variation ID: 2064918). This variant has not been reported in the literature in individuals affected with TRAPPC12-related conditions. This sequence change replaces leucine, which is neutral and non-polar, with valine, which is neutral and non-polar, at codon 30 of the TRAPPC12 protein (p.Leu30Val).